The following is an entry in ClinVar:

NC_000007.14:g.107563986C>T

Genes: DUS4L (dihydrouridine synthase 4 like; plus strand), DUS4L-BCAP29 (DUS4L-BCAP29 readthrough; plus strand), COG5 (component of oligomeric golgi complex 5; minus strand). Cytogenetic location: 7q22.3.
Variant type: single nucleotide variant.
Molecular consequence: 5 prime UTR variant (on NM_181581.3). On other transcripts: non-coding transcript variant (7).
Genome position: GRCh38 VCF-style: chr7-107563986-C-T. GRCh37 (hg19) VCF-style: chr7-107204431-C-T.
Other names: c.-184C>T (NM_001270419.2); c.-334C>T (NM_181581.3, NM_001371364.2, NM_001371366.2); c.-372C>T (NM_001371365.2); c.-245C>T (NM_001371367.2).
Identifiers: ClinVar variation 1417312 (VCV001417312.6), dbSNP rs1010594801, ClinGen allele CA368827255.

ClinVar aggregate classification (germline): Uncertain significance (1 of 4 stars; one submission).

Conditions:
COG5-congenital disorder of glycosylation. Also called: CDG IIi; CONGENITAL DISORDER OF GLYCOSYLATION, TYPE IIi; COG5-CDG. Identifiers: Orphanet 263487, MedGen C3150876, MONDO:0013325, OMIM 613612.

Allele frequency attached by ClinVar (database versions not stated): gnomAD 0.00001; gnomAD exomes 0.00001.
gnomAD v4.1: 9 of 1,568,058 alleles (0.00057%); highest among the groups gnomAD compares: Admixed American, 0.0075%; no homozygotes.

Submission:

Labcorp Genetics (formerly Invitae), Labcorp
Classification: Uncertain significance for COG5-congenital disorder of glycosylation. Last evaluated: 2023-12-11. Review status: criteria provided, single submitter. Criteria: Invitae Variant Classification Sherloc (09022015). Collection method: clinical testing. Allele origin: germline.
Comment: This sequence change replaces glycine, which is neutral and non-polar, with serine, which is neutral and polar, at codon 2 of the COG5 protein (p.Gly2Ser). The frequency data for this variant in the population databases is considered unreliable, as metrics indicate poor data quality at this position in the gnomAD database. This variant has not been reported in the literature in individuals affected with COG5-related conditions. ClinVar contains an entry for this variant (Variation ID: 1417312). Algorithms developed to predict the effect of missense changes on protein structure and function output the following: SIFT: "Not Available"; PolyPhen-2: "Probably Damaging"; Align-GVGD: "Not Available". The serine amino acid residue is found in multiple mammalian species, which suggests that this missense change does not adversely affect protein function. In summary, the available evidence is currently insufficient to determine the role of this variant in disease. Therefore, it has been classified as a Variant of Uncertain Significance.